The following is an entry in ClinVar:

ClinVar aggregate classification (germline): Pathogenic/Likely pathogenic. Review status: criteria provided, multiple submitters, no conflicts (2 of 4 stars). 2 submissions from 2 submitters: Pathogenic (1); Likely pathogenic (1). Last evaluated 2024-08-21.

Conditions:
Autosomal recessive nonsyndromic hearing loss 42. Identifiers: Orphanet 90636, MedGen C1864818, MONDO:0012326, OMIM 609646.

gnomAD v4.1: 12 of 1,536,120 alleles (0.00078%); highest among the groups gnomAD compares: East Asian, 0.029%; no homozygotes.

Submissions (2):

Labcorp Genetics (formerly Invitae), Labcorp
Classification: Pathogenic. Last evaluated: 2024-08-21. Review status: criteria provided, single submitter. Criteria: Invitae Variant Classification Sherloc (09022015). Collection method: clinical testing. Allele origin: germline.
Comment: This sequence change creates a premature translational stop signal (p.Trp240*) in the ILDR1 gene. It is expected to result in an absent or disrupted protein product. Loss-of-function variants in ILDR1 are known to be pathogenic (PMID: 21255762). This variant is present in population databases (rs544860151, gnomAD 0.1%). This variant has not been reported in the literature in individuals affected with ILDR1-related conditions. For these reasons, this variant has been classified as Pathogenic.

Juno Genomics, Hangzhou Juno Genomics, Inc
Classification: Likely pathogenic for Autosomal recessive nonsyndromic hearing loss 42. Review status: criteria provided, single submitter. Criteria: ACMG Guidelines, 2015. Collection method: clinical testing. Allele origin: germline.
Comment: Absent from controls (or at extremely low frequency if recessive) in Genome Aggregation Database.;Null variant in a gene where loss of function (LOF) is a known mechanism of disease.

Literature cited by the submitters: PubMed 21255762 (cited by Labcorp Genetics (formerly Invitae), Labcorp).

NM_001199799.2(ILDR1):c.720G>A (p.Trp240Ter)

Gene: ILDR1 (immunoglobulin like domain containing receptor 1; minus strand). Cytogenetic location: 3q13.33.
Variant type: single nucleotide variant.
Coding change: c.720G>A on transcript NM_001199799.2 (MANE Select); coding-DNA position 720, G replaced by A.
Protein change: p.Trp240Ter; replaces tryptophan 240 with a stop codon.
Molecular consequence: nonsense. On other transcripts: intron variant (1).
Genome position (GRCh38, 1-based): chr3:121,994,240, C>T on the plus strand (G>A on the coding strand, the complement: ILDR1 is on the minus strand). VCF-style: chr3-121994240-C-T. GRCh37 (hg19) VCF-style: chr3-121713087-C-T.
Other names: c.453G>A, p.Trp151Ter (NM_001199800.2); c.647-270G>A (NM_175924.4); short protein forms W240*, W151*.
Identifiers: ClinVar variation 3718305 (VCV003718305.4).